The following is an entry in ClinVar:

ClinVar aggregate classification (germline): Likely benign. Review status: criteria provided, single submitter (1 of 4 stars). 2 submissions from 2 submitters: Likely benign (1). 1 of the submissions does not count toward it. Last evaluated 2024-02-17.

Conditions:
PLD1-related disorder. Also called: PLD1-related condition.

Allele frequency attached by ClinVar (database versions not stated): TOPMed 0.00008; gnomAD 0.00009; 1000 Genomes Project 30x 0.00094; 1000 Genomes Project 0.00120.
gnomAD v4.1: 642 of 1,588,458 alleles (0.04%); highest among the groups gnomAD compares: East Asian, 1.4%; 9 homozygotes.

Submissions (2):

Labcorp Genetics (formerly Invitae), Labcorp
Classification: Likely benign. Last evaluated: 2024-02-17. Review status: criteria provided, single submitter. Criteria: Invitae Variant Classification Sherloc (09022015). Collection method: clinical testing. Allele origin: germline.

PreventionGenetics, part of Exact Sciences
Classification: Likely benign for PLD1-related condition. Last evaluated: 2022-11-11. Review status: no assertion criteria provided. Collection method: clinical testing. Allele origin: germline. Not counted in ClinVar's aggregate classification.
Comment: This variant is classified as likely benign based on ACMG/AMP sequence variant interpretation guidelines (Richards et al. 2015 PMID: 25741868, with internal and published modifications).

NM_002662.5(PLD1):c.2576G>A (p.Gly859Glu)

Gene: PLD1 (phospholipase D1; minus strand). Cytogenetic location: 3q26.31.
Variant type: single nucleotide variant.
Coding change: c.2576G>A on transcript NM_002662.5 (MANE Select); coding-DNA position 2576, G replaced by A.
Protein change: p.Gly859Glu; replaces glycine 859 with glutamic acid.
Molecular consequence: missense variant.
Genome position (GRCh38, 1-based): chr3:171,642,857, C>T on the plus strand (G>A on the coding strand, the complement: PLD1 is on the minus strand). VCF-style: chr3-171642857-C-T. GRCh37 (hg19) VCF-style: chr3-171360647-C-T.
Other names: c.2462G>A, p.Gly821Glu (NM_001130081.3); c.2576G>A (NM_002662.4); short protein forms G821E, G859E.
Identifiers: ClinVar variation 1558864 (VCV001558864.10), dbSNP rs186118100, ClinGen allele CA2704189.
Genomic context (GRCh38, chr3:171,642,857, plus strand): 5'-CATAATAAAAAACAATGATATGAGAAAAAAAGCAGTTACTTACGCTCTGCTTTTAACTGT[C>T]CAAGGATGGAATTTTCTCCTCTGCACATGGTTCTGAAAATATGTAAAGGAGAAAATAATT-3'
Protein context (NP_002653.1, residues 849-869): TMCRGENSIL[Gly859Glu]QLKAELGNQW